The following is an entry in ClinVar:

ClinVar aggregate classification (germline): Pathogenic (1 of 4 stars; one submission).

Conditions:
Mitochondrial complex I deficiency, nuclear type 5. Also called: Mitochondrial complex 1 deficiency, nuclear type 5. Identifiers: MedGen C4748754, MONDO:0032610, OMIM 618226.

gnomAD v4.1: 5 of 1,614,106 alleles (0.00031%); highest among the groups gnomAD compares: Middle Eastern, 0.016%; no homozygotes.

Submission:

Women's Health and Genetics/Laboratory Corporation of America, LabCorp
Classification: Pathogenic for Mitochondrial complex I deficiency, nuclear type 5. Last evaluated: 2025-04-23. Review status: criteria provided, single submitter. Criteria: LabCorp Variant Classification Summary - May 2015. Collection method: clinical testing. Allele origin: germline.
Comment: Variant summary: NDUFS1 c.2029C>T (p.Gln677X) results in a premature termination codon, predicted to cause a truncation of the encoded protein or absence of the protein due to nonsense mediated decay, which are commonly known mechanisms for disease. The variant allele was found at a frequency of 1.2e-05 in 251270 control chromosomes (gnomAD). To our knowledge, no occurrence of c.2029C>T in individuals affected with Mitochondrial Complex 1 Deficiency, Nuclear Type 5 and no experimental evidence demonstrating its impact on protein function have been reported. No submitters have cited clinical-significance assessments for this variant to ClinVar. Based on the evidence outlined above, the variant was classified as pathogenic.

NM_005006.7(NDUFS1):c.2029C>T (p.Gln677Ter)

Gene: NDUFS1 (NADH:ubiquinone oxidoreductase core subunit S1; minus strand). Cytogenetic location: 2q33.3.
Variant type: single nucleotide variant.
Coding change: c.2029C>T on transcript NM_005006.7 (MANE Select); coding-DNA position 2029, C replaced by T.
Protein change: p.Gln677Ter; replaces glutamine 677 with a stop codon.
Molecular consequence: nonsense.
Genome position (GRCh38, 1-based): chr2:206,126,602, G>A on the plus strand (C>T on the coding strand, the complement: NDUFS1 is on the minus strand). VCF-style: chr2-206126602-G-A. GRCh37 (hg19) VCF-style: chr2-206991326-G-A.
Other names: c.1921C>T, p.Gln641Ter (NM_001199981.2); c.1696C>T, p.Gln566Ter (NM_001199982.2); c.1858C>T, p.Gln620Ter (NM_001199983.2); c.2071C>T, p.Gln691Ter (NM_001199984.2); short protein forms Q566*, Q620*, Q641*, Q677*, Q691*.
Identifiers: ClinVar variation 3896664 (VCV003896664.2).